The following is an entry in ClinVar:

NM_053025.4(MYLK):c.1360G>A (p.Val454Met)

Gene: MYLK (myosin light chain kinase; minus strand). Cytogenetic location: 3q21.1.
Variant type: single nucleotide variant.
Coding change: c.1360G>A on transcript NM_053025.4 (MANE Select); coding-DNA position 1360, G replaced by A.
Protein change: p.Val454Met; replaces valine 454 with methionine.
Molecular consequence: missense variant. On other transcripts: intron variant (2).
Genome position (GRCh38, 1-based): chr3:123,733,052, C>T on the plus strand (G>A on the coding strand, the complement: MYLK is on the minus strand). VCF-style: chr3-123733052-C-T. GRCh37 (hg19) VCF-style: chr3-123451899-C-T.
Other names: c.832G>A, p.Val278Met (NM_001321309.2); c.1360G>A, p.Val454Met (NM_053027.4); c.1309+635G>A (NM_053028.4, NM_053026.4); short protein forms V454M, V278M.
Identifiers: ClinVar variation 915654 (VCV000915654.15), dbSNP rs746226982, ClinGen allele CA067036.

ClinVar aggregate classification (germline): Conflicting classifications of pathogenicity. Review status: criteria provided, conflicting classifications (1 of 4 stars). 6 submissions from 6 submitters: Uncertain significance (5); Likely benign (1). Last evaluated 2025-11-01.

Conditions:
Aortic aneurysm, familial thoracic 7 (AAT7). Also called: AORTIC DISSECTION, FAMILIAL, WITH OR WITHOUT AORTIC ANEURYSM. Identifiers: MedGen C3151077, MONDO:0013418, OMIM 613780.
Megacystis-microcolon-intestinal hypoperistalsis syndrome 1. Identifiers: MedGen C5542316, MONDO:0100354, OMIM 249210.
Familial thoracic aortic aneurysm and aortic dissection (TAAD). Also called: Thoracic aortic aneurysms and dissections. Identifiers: Orphanet 91387, MedGen C4707243, MONDO:0019625.

Allele frequency attached by ClinVar (database versions not stated): TOPMed 0.00001; gnomAD 0.00003.
gnomAD v4.1: 40 of 1,614,092 alleles (0.0025%); highest among the groups gnomAD compares: African/African-American, 0.008%; no homozygotes.

Submissions (6):

CeGaT Center for Human Genetics Tuebingen
Classification: Uncertain significance. Last evaluated: 2025-11-01. Review status: criteria provided, single submitter. Criteria: CeGaT Center For Human Genetics Tuebingen Variant Classification Criteria Version 2. Collection method: clinical testing. Allele origin: germline. Affected: yes. Observed: 1 variant allele.
Comment: MYLK: PM2, BP4

Labcorp Genetics (formerly Invitae), Labcorp
Classification: Uncertain significance for Aortic aneurysm, familial thoracic 7. Last evaluated: 2024-12-12. Review status: criteria provided, single submitter. Criteria: Invitae Variant Classification Sherloc (09022015). Collection method: clinical testing. Allele origin: germline.
Comment: This sequence change replaces valine, which is neutral and non-polar, with methionine, which is neutral and non-polar, at codon 454 of the MYLK protein (p.Val454Met). This variant is present in population databases (rs746226982, gnomAD 0.008%). This variant has not been reported in the literature in individuals affected with MYLK-related conditions. ClinVar contains an entry for this variant (Variation ID: 915654). Invitae Evidence Modeling of protein sequence and biophysical properties (such as structural, functional, and spatial information, amino acid conservation, physicochemical variation, residue mobility, and thermodynamic stability) indicates that this missense variant is not expected to disrupt MYLK protein function with a negative predictive value of 95%. In summary, the available evidence is currently insufficient to determine the role of this variant in disease. Therefore, it has been classified as a Variant of Uncertain Significance.

GeneDx
Classification: Uncertain significance. Last evaluated: 2024-05-21. Review status: criteria provided, single submitter. Criteria: GeneDx Variant Classification Process June 2021. Collection method: clinical testing. Allele origin: germline. Affected: yes.
Comment: Has not been previously published as pathogenic or benign to our knowledge; Not observed at significant frequency in large population cohorts (gnomAD); In silico analysis indicates that this missense variant does not alter protein structure/function

Blueprint Genetics
Classification: Likely benign. Last evaluated: 2022-09-27. Review status: criteria provided, single submitter. Criteria: ACMG Guidelines, 2015. Collection method: clinical testing. Allele origin: germline.

Fulgent Genetics
Classification: Uncertain significance for Megacystis-microcolon-intestinal hypoperistalsis syndrome 1; Aortic aneurysm, familial thoracic 7. Last evaluated: 2021-07-07. Review status: criteria provided, single submitter. Criteria: ACMG Guidelines, 2015. Collection method: clinical testing. Allele origin: unknown.

CHEO Genetics Diagnostic Laboratory, Children's Hospital of Eastern Ontario
Classification: Uncertain significance for Familial thoracic aortic aneurysm and aortic dissection. Last evaluated: 2019-11-18. Review status: criteria provided, single submitter. Criteria: ACMG Guidelines, 2015. Collection method: clinical testing. Allele origin: germline.